The following is an entry in ClinVar:

NM_000489.6(ATRX):c.6379G>A (p.Val2127Ile)

Gene: ATRX (ATRX chromatin remodeler; minus strand). Cytogenetic location: Xq21.1.
Variant type: single nucleotide variant.
Coding change: c.6379G>A on transcript NM_000489.6 (MANE Select); coding-DNA position 6379, G replaced by A.
Protein change: p.Val2127Ile; replaces valine 2127 with isoleucine.
Molecular consequence: missense variant.
Genome position (GRCh38, 1-based): chrX:77,558,794, C>T on the plus strand (G>A on the coding strand, the complement: ATRX is on the minus strand). VCF-style: chrX-77558794-C-T. GRCh37 (hg19) VCF-style: chrX-76814265-C-T.
Other names: c.6379G>A (NM_000489.3); c.6265G>A, p.Val2089Ile (NM_138270.5); short protein forms V2089I, V2127I.
Identifiers: ClinVar variation 646990 (VCV000646990.10), dbSNP rs1602536860, ClinGen allele CA413699273.

ClinVar aggregate classification (germline): Uncertain significance. Review status: criteria provided, multiple submitters, no conflicts (2 of 4 stars). 2 submissions from 2 submitters: Uncertain significance (2). Last evaluated 2025-01-15.

Conditions:
Alpha thalassemia-X-linked intellectual disability syndrome (ATRX). Also called: ALPHA-THALASSEMIA/IMPAIRED INTELLECTUAL DEVELOPMENT SYNDROME, X-LINKED; ALPHA-THALASSEMIA/MENTAL RETARDATION SYNDROME, X-LINKED; ATR, NONDELETION TYPE; X-linked alpha-thalassemia-mental retardation syndrome; ATR-X syndrome; Alpha thalassemia mental retardation syndrome, nondeletion type, X-linked. Identifiers: Orphanet 847, MedGen C1845055, MONDO:0010519, OMIM 301040.

Allele frequency attached by ClinVar (database versions not stated): gnomAD exomes 0.00001.
gnomAD v4.1: 6 of 1,203,946 alleles (0.0005%); highest among the groups gnomAD compares: Non-Finnish European, 0.00056%; no homozygotes.

Submissions (2):

GeneDx
Classification: Uncertain significance. Last evaluated: 2025-01-15. Review status: criteria provided, single submitter. Criteria: GeneDx Variant Classification Process June 2021. Collection method: clinical testing. Allele origin: germline. Affected: yes.
Comment: Not observed at significant frequency in large population cohorts (gnomAD); In silico analysis indicates that this missense variant does not alter protein structure/function; Has not been previously published as pathogenic or benign to our knowledge

Labcorp Genetics (formerly Invitae), Labcorp
Classification: Uncertain significance for Alpha thalassemia-X-linked intellectual disability syndrome. Last evaluated: 2022-09-12. Review status: criteria provided, single submitter. Criteria: Invitae Variant Classification Sherloc (09022015). Collection method: clinical testing. Allele origin: germline.
Comment: This variant has not been reported in the literature in individuals affected with ATRX-related conditions. This variant is not present in population databases (gnomAD no frequency). This sequence change replaces valine, which is neutral and non-polar, with isoleucine, which is neutral and non-polar, at codon 2127 of the ATRX protein (p.Val2127Ile). In summary, the available evidence is currently insufficient to determine the role of this variant in disease. Therefore, it has been classified as a Variant of Uncertain Significance. Advanced modeling of protein sequence and biophysical properties (such as structural, functional, and spatial information, amino acid conservation, physicochemical variation, residue mobility, and thermodynamic stability) performed at Invitae indicates that this missense variant is not expected to disrupt ATRX protein function. ClinVar contains an entry for this variant (Variation ID: 646990).